The following is an entry in ClinVar:

NM_001079872.2(CUL4B):c.2438C>T (p.Thr813Met)

Gene: CUL4B (cullin 4B; minus strand). Cytogenetic location: Xq24.
Variant type: single nucleotide variant.
Coding change: c.2438C>T on transcript NM_001079872.2 (MANE Select); coding-DNA position 2438, C replaced by T.
Protein change: p.Thr813Met; replaces threonine 813 with methionine.
Molecular consequence: missense variant.
Genome position (GRCh38, 1-based): chrX:120,532,423, G>A on the plus strand (C>T on the coding strand, the complement: CUL4B is on the minus strand). VCF-style: chrX-120532423-G-A. GRCh37 (hg19) VCF-style: chrX-119666278-G-A.
Other names: c.2453C>T, p.Thr818Met (NM_001330624.2); c.1904C>T, p.Thr635Met (NM_001369145.1); c.2492C>T, p.Thr831Met (NM_003588.4); short protein forms T635M, T813M, T818M, T831M.
Identifiers: ClinVar variation 1806550 (VCV001806550.1), dbSNP rs1482154489, ClinGen allele CA414193485.
Genomic context (GRCh38, chrX:120,532,423, plus strand): 5'-TTGATTATTAACATGTATAATTCCAGTGTGTTAGGACTAAGAGAAAGTGAAAGAAATACC[G>A]TTTCTTTCATCTGGATTTGATTGATCTTTATCCTGAAAAGTTTATGTTTGAAATCATCAT-3'
Protein context (NP_001073341.1, residues 803-823): IKINQIQMKE[Thr813Met]VEEQASTTER

ClinVar aggregate classification (germline): Uncertain significance (1 of 4 stars; one submission).

Submission:

GeneDx
Classification: Uncertain significance. Last evaluated: 2022-06-24. Review status: criteria provided, single submitter. Criteria: GeneDx Variant Classification Process June 2021. Collection method: clinical testing. Allele origin: germline. Affected: yes.
Comment: In silico analysis supports that this missense variant has a deleterious effect on protein structure/function; Has not been previously published as pathogenic or benign to our knowledge